The following is an entry in ClinVar:

ClinVar aggregate classification (germline): Uncertain significance (1 of 4 stars; one submission).

Conditions:
Intellectual developmental disorder, autosomal dominant 66. Also called: MENTAL RETARDATION, AUTOSOMAL DOMINANT 66. Identifiers: MedGen C5677000, MONDO:0030891, OMIM 619910.

Submission:

MVZ Medizinische Genetik Mainz
Classification: Uncertain significance for Intellectual developmental disorder, autosomal dominant 66. Last evaluated: 2026-04-09. Review status: criteria provided, single submitter. Criteria: UK Practice Guidelines For Variant Classification V4 01 2020. Collection method: clinical testing. Allele origin: germline. Inheritance: Autosomal dominant inheritance. Affected: yes. Observed: 1 variant allele.
Comment: ACMG Criteria: PS3,PM2_SUP

NM_001366521.1(ATP2B1):c.640G>C (p.Asp214His)

Gene: ATP2B1 (ATPase plasma membrane Ca2+ transporting 1; minus strand). Cytogenetic location: 12q21.33.
Variant type: single nucleotide variant.
Coding change: c.640G>C on transcript NM_001366521.1 (MANE Select); coding-DNA position 640, G replaced by C.
Protein change: p.Asp214His; replaces aspartic acid 214 with histidine.
Molecular consequence: missense variant. On other transcripts: non-coding transcript variant (3), intron variant (7).
Genome position (GRCh38, 1-based): chr12:89,635,018, C>G on the plus strand (G>C on the coding strand, the complement: ATP2B1 is on the minus strand). VCF-style: chr12-89635018-C-G. GRCh37 (hg19) VCF-style: chr12-90028795-C-G.
Other names: c.640G>C, p.Asp214His (NM_001001323.2, NM_001366520.1, NM_001366522.1 and 17 more transcripts); c.442G>C, p.Asp148His (NM_001366530.1, NM_001413053.1); c.406+7140G>C (NM_001413060.1, NM_001366531.1, NM_001413058.1 and 2 more transcripts); c.407-115G>C (NM_001413056.1); c.209-115G>C (NM_001413057.1); short protein forms D148H, D214H.
Identifiers: ClinVar variation 4849206 (VCV004849206.1).